The following is an entry in ClinVar:

ClinVar aggregate classification (germline): Likely benign (1 of 4 stars; one submission).

gnomAD v4.1: 3 of 1,601,988 alleles (0.00019%); highest among the groups gnomAD compares: South Asian, 0.0011%; no homozygotes.

Submission:

CeGaT Center for Human Genetics Tuebingen
Classification: Likely benign. Last evaluated: 2024-11-01. Review status: criteria provided, single submitter. Criteria: CeGaT Center For Human Genetics Tuebingen Variant Classification Criteria Version 2. Collection method: clinical testing. Allele origin: germline. Affected: yes. Observed: 1 variant allele.
Comment: ADAMTS15: BP4, BP7

NM_139055.4(ADAMTS15):c.702C>T (p.His234=)

Gene: ADAMTS15 (ADAM metallopeptidase with thrombospondin type 1 motif 15; plus strand). Cytogenetic location: 11q24.3.
Variant type: single nucleotide variant.
Coding change: c.702C>T on transcript NM_139055.4 (MANE Select); coding-DNA position 702, C replaced by T.
Protein change: p.His234=; no amino-acid change (histidine 234 retained).
Molecular consequence: synonymous variant.
Genome position (GRCh38, 1-based): chr11:130,449,675, C>T. VCF-style: chr11-130449675-C-T. GRCh37 (hg19) VCF-style: chr11-130319570-C-T.
Identifiers: ClinVar variation 3390133 (VCV003390133.14).
Genomic context (GRCh38, chr11:130,449,675, plus strand): 5'-GTCTATCCCGCGGTACGTGGAGACGCTGGTGGTCGCGGACGAGTCAATGGTCAAGTTCCA[C>T]GGCGCGGACCTGGAACATTATCTGCTGACGCTGCTGGCAACGGCGGCGCGACTCTACCGC-3'
Protein context (NP_620686.1, residues 224-244): VVADESMVKF[His234=]GADLEHYLLT